The following is an entry in ClinVar:

ClinVar aggregate classification (germline): Uncertain significance (1 of 4 stars; one submission).

Conditions:
Xanthinuria type II. Also called: Xanthine dehydrogenase and aldehyde oxidase combined deficiency of; XDH and AOX dual deficiency. Identifiers: Orphanet 3467, Orphanet 93602, MedGen C1863688, MONDO:0011346, OMIM 603592.

Submission:

Labcorp Genetics (formerly Invitae), Labcorp
Classification: Uncertain significance for Xanthinuria type II. Last evaluated: 2024-12-12. Review status: criteria provided, single submitter. Criteria: Invitae Variant Classification Sherloc (09022015). Collection method: clinical testing. Allele origin: germline.
Comment: This sequence change replaces threonine, which is neutral and polar, with serine, which is neutral and polar, at codon 24 of the XDH protein (p.Thr24Ser). This variant is not present in population databases (gnomAD no frequency). This variant has not been reported in the literature in individuals affected with XDH-related conditions. An algorithm developed to predict the effect of missense changes on protein structure and function (PolyPhen-2) suggests that this variant is likely to be tolerated. In summary, the available evidence is currently insufficient to determine the role of this variant in disease. Therefore, it has been classified as a Variant of Uncertain Significance.

NM_000379.4(XDH):c.70A>T (p.Thr24Ser)

Gene: XDH (xanthine dehydrogenase; minus strand). Cytogenetic location: 2p23.1.
Variant type: single nucleotide variant.
Coding change: c.70A>T on transcript NM_000379.4 (MANE Select); coding-DNA position 70, A replaced by T.
Protein change: p.Thr24Ser; replaces threonine 24 with serine.
Molecular consequence: missense variant.
Genome position (GRCh38, 1-based): chr2:31,405,937, T>A on the plus strand (A>T on the coding strand, the complement: XDH is on the minus strand). VCF-style: chr2-31405937-T-A. GRCh37 (hg19) VCF-style: chr2-31628803-T-A.
Other names: short protein forms T24S.
Identifiers: ClinVar variation 3725241 (VCV003725241.2).